The following is an entry in ClinVar:

NM_025099.6(CTC1):c.1111G>A (p.Gly371Ser)

Gene: CTC1 (CST telomere replication complex component 1; minus strand). Cytogenetic location: 17p13.1.
Variant type: single nucleotide variant.
Coding change: c.1111G>A on transcript NM_025099.6 (MANE Select); coding-DNA position 1111, G replaced by A.
Protein change: p.Gly371Ser; replaces glycine 371 with serine.
Molecular consequence: missense variant. On other transcripts: non-coding transcript variant (1).
Genome position (GRCh38, 1-based): chr17:8,235,926, C>T on the plus strand (G>A on the coding strand, the complement: CTC1 is on the minus strand). VCF-style: chr17-8235926-C-T. GRCh37 (hg19) VCF-style: chr17-8139244-C-T.
Other names: c.1111G>A, p.Gly371Ser (NM_001411067.1); c.1111G>A (NM_025099.5); short protein forms G371S.
Identifiers: ClinVar variation 1897834 (VCV001897834.3), dbSNP rs1475123066, ClinGen allele CA397987221.

ClinVar aggregate classification (germline): Uncertain significance. Review status: criteria provided, multiple submitters, no conflicts (2 of 4 stars). 2 submissions from 2 submitters: Uncertain significance (2). Last evaluated 2026-02-05.

Conditions:
Dyskeratosis congenita. Identifiers: Orphanet 1775, MedGen C0265965, MONDO:0015780.

Allele frequency attached by ClinVar (database versions not stated): gnomAD exomes below 0.00001; gnomAD 0.00001; TOPMed 0.00001.

Submissions (2):

GeneDx
Classification: Uncertain significance. Last evaluated: 2026-02-05. Review status: criteria provided, single submitter. Criteria: GeneDx Variant Classification Process June 2021. Collection method: clinical testing. Allele origin: germline.
Comment: Not observed at significant frequency in large population cohorts (gnomAD); In silico analysis supports that this missense variant has a deleterious effect on protein structure/function; Has not been previously published as pathogenic or benign to our knowledge

Labcorp Genetics (formerly Invitae), Labcorp
Classification: Uncertain significance for Dyskeratosis congenita. Last evaluated: 2022-07-01. Review status: criteria provided, single submitter. Criteria: Invitae Variant Classification Sherloc (09022015). Collection method: clinical testing. Allele origin: germline.
Comment: This sequence change replaces glycine, which is neutral and non-polar, with serine, which is neutral and polar, at codon 371 of the CTC1 protein (p.Gly371Ser). This variant is present in population databases (no rsID available, gnomAD 0.0009%). This variant has not been reported in the literature in individuals affected with CTC1-related conditions. Algorithms developed to predict the effect of missense changes on protein structure and function output the following: SIFT: "Tolerated"; PolyPhen-2: "Possibly Damaging"; Align-GVGD: "Class C0". The serine amino acid residue is found in multiple mammalian species, which suggests that this missense change does not adversely affect protein function. In summary, the available evidence is currently insufficient to determine the role of this variant in disease. Therefore, it has been classified as a Variant of Uncertain Significance.